The following is an entry in ClinVar:

ClinVar aggregate classification (germline): Uncertain significance. Review status: criteria provided, multiple submitters, no conflicts (2 of 4 stars). 2 submissions from 2 submitters: Uncertain significance (2). Last evaluated 2025-12-22.

Conditions:
KLF1-related disorder. Also called: KLF1-related condition; KLF1-Related Disorders.

gnomAD v4.1: 22 of 1,604,570 alleles (0.0014%); highest among the groups gnomAD compares: Non-Finnish European, 0.0019%; no homozygotes.

Submissions (2):

Labcorp Genetics (formerly Invitae), Labcorp
Classification: Uncertain significance. Last evaluated: 2025-12-22. Review status: criteria provided, single submitter. Criteria: Invitae Variant Classification Sherloc (09022015). Collection method: clinical testing. Allele origin: germline.
Comment: This sequence change replaces alanine, which is neutral and non-polar, with threonine, which is neutral and polar, at codon 262 of the KLF1 protein (p.Ala262Thr). The frequency data for this variant in the population databases is considered unreliable, as metrics indicate poor data quality at this position in the gnomAD database. This variant has not been reported in the literature in individuals affected with KLF1-related conditions. ClinVar contains an entry for this variant (Variation ID: 3605540). Invitae Evidence Modeling of protein sequence and biophysical properties (such as structural, functional, and spatial information, amino acid conservation, physicochemical variation, residue mobility, and thermodynamic stability) indicates that this missense variant is not expected to disrupt KLF1 protein function with a negative predictive value of 80%. In summary, the available evidence is currently insufficient to determine the role of this variant in disease. Therefore, it has been classified as a Variant of Uncertain Significance.

PreventionGenetics, part of Exact Sciences
Classification: Uncertain significance for KLF1-related condition. Last evaluated: 2025-03-03. Review status: criteria provided, single submitter. Criteria: ACMG Guidelines, 2015. Collection method: clinical testing. Allele origin: germline.
Comment: The KLF1 c.784G>A variant is predicted to result in the amino acid substitution p.Ala262Thr. To our knowledge, this variant has not been reported in the literature. This variant is reported in 0.0035% of alleles in individuals of European (Non-Finnish) descent in gnomAD. At this time, the clinical significance of this variant is uncertain due to the absence of conclusive functional and genetic evidence.

NM_006563.5(KLF1):c.784G>A (p.Ala262Thr)

Genes: KLF1 (KLF transcription factor 1; minus strand), LOC117125591 (CRISPRi-FlowFISH-validated PRDX2 and RAD23A regulatory element; plus strand). Cytogenetic location: 19p13.13.
Variant type: single nucleotide variant.
Coding change: c.784G>A on transcript NM_006563.5 (MANE Select); coding-DNA position 784, G replaced by A.
Protein change: p.Ala262Thr; replaces alanine 262 with threonine.
Molecular consequence: missense variant.
Genome position (GRCh38, 1-based): chr19:12,885,446, C>T on the plus strand (G>A on the coding strand, the complement: KLF1 is on the minus strand). VCF-style: chr19-12885446-C-T. GRCh37 (hg19) VCF-style: chr19-12996260-C-T.
Other names: short protein forms A262T.
Identifiers: ClinVar variation 3605540 (VCV003605540.3).